The following is an entry in ClinVar:

ClinVar aggregate classification (germline): Pathogenic (1 of 4 stars; one submission).

Submission:

Labcorp Genetics (formerly Invitae), Labcorp
Classification: Pathogenic. Last evaluated: 2025-08-03. Review status: criteria provided, single submitter. Criteria: Invitae Variant Classification Sherloc (09022015). Collection method: clinical testing. Allele origin: germline.
Comment: This sequence change creates a premature translational stop signal (p.Val170Glyfs*19) in the PYCR1 gene. It is expected to result in an absent or disrupted protein product. Loss-of-function variants in PYCR1 are known to be pathogenic (PMID: 19648921). This variant is not present in population databases (gnomAD no frequency). This variant has not been reported in the literature in individuals affected with PYCR1-related conditions. For these reasons, this variant has been classified as Pathogenic.

Literature cited by the submitters: PubMed 19648921.

NM_006907.4(PYCR1):c.509_513del (p.Val170fs)

Gene: PYCR1 (pyrroline-5-carboxylate reductase 1; minus strand). Cytogenetic location: 17q25.3.
Variant type: Deletion.
Coding change: c.509_513del on transcript NM_006907.4 (MANE Select); coding-DNA positions 509 to 513, 5 bases deleted (TCACG; older notation c.509_513delTCACG).
Protein change: p.Val170fs; shifts the reading frame from valine 170.
Molecular consequence: frameshift variant.
Genome position (GRCh38, 1-based): chr17:81,934,953-81,934,957, CGTGA deleted on the plus strand (TCACG on the coding strand, the reverse complement: PYCR1 is on the minus strand); deleting any 5 consecutive bases within chr17:81,934,953-81,934,959 gives the same sequence; the c. name uses the placement nearest the transcript's 3' end. VCF-style (leftmost placement, unchanged base first): chr17-81934952-CCGTGA-C. GRCh37 (hg19) VCF-style: chr17-79892828-CCGTGA-C.
Other names: c.509_513del, p.Val170fs (NM_001282279.2, NM_001282280.2, NM_001330523.2 and 1 more transcripts); c.590_594del, p.Val197fs (NM_001282281.2); short protein forms V197fs, V170fs.
Identifiers: ClinVar variation 4724740 (VCV004724740.1).